The following is an entry in ClinVar:

NM_001987.5(ETV6):c.641C>T (p.Pro214Leu)

Gene: ETV6 (ETS variant transcription factor 6; plus strand). Cytogenetic location: 12p13.2.
Variant type: single nucleotide variant.
Coding change: c.641C>T on transcript NM_001987.5 (MANE Select); coding-DNA position 641, C replaced by T.
Protein change: p.Pro214Leu; replaces proline 214 with leucine.
Molecular consequence: missense variant.
Genome position (GRCh38, 1-based): chr12:11,869,601, C>T. VCF-style: chr12-11869601-C-T. GRCh37 (hg19) VCF-style: chr12-12022535-C-T.
Other names: P214L.
Identifiers: ClinVar variation 162222 (VCV000162222.21), dbSNP rs724159947, ClinGen allele CA175031.

ClinVar aggregate classification (germline): Pathogenic/Likely pathogenic. Review status: criteria provided, multiple submitters, no conflicts (2 of 4 stars). 14 submissions from 14 submitters: Pathogenic (8); Likely pathogenic (2). 4 of the submissions do not count toward it. Last evaluated 2025-12-10.

Conditions:
ETV6-related disorders.
ETV6-related disorder. Also called: ETV6-related condition.
Thrombocytopenia 5 (THC5). Also called: THROMBOCYTOPENIA 5 WITH INCREASED SUSCEPTIBILITY TO MALIGNANCY; THROMBOCYTOPENIA, AUTOSOMAL DOMINANT, 5. Identifiers: MedGen C4015537, MONDO:0014536, OMIM 616216.
Hereditary cancer-predisposing syndrome. Also called: Hereditary Cancer Syndrome; Tumor predisposition; Neoplastic Syndromes, Hereditary; Hereditary neoplastic syndrome. Identifiers: Orphanet 140162, MedGen C0027672, MeSH D009386, MONDO:0015356.
Thrombocytopenia. Identifiers: MedGen C0040034, MeSH D013921, MONDO:0002049, HP:0001873.
Hematologic neoplasm. Also called: Hematologic cancer; Hematological neoplasm. Identifiers: MedGen C0376545, MeSH D019337, HP:0004377.
Acute myeloid leukemia (AML). Also called: Leukemia, acute myelogenous, somatic; Acute myeloid leukemia, adult; AML adult; Acute non-lymphocytic leukemia; Acute granulocytic leukemia; Leukemia, acute myeloid, somatic. Identifiers: Orphanet 519, MedGen C0023467, MeSH D015470, MONDO:0018874, OMIM 601626, HP:0004808. Disease mechanism: Constitutively activated FLT3.

Submissions (14):

PreventionGenetics, part of Exact Sciences
Classification: Pathogenic for ETV6-related condition. Last evaluated: 2025-12-10. Review status: criteria provided, single submitter. Criteria: ACMG Guidelines, 2015. Collection method: clinical testing. Allele origin: germline.
Comment: The ETV6 c.641C>T variant is predicted to result in the amino acid substitution p.Pro214Leu. This variant has been reported in individuals with thrombocytopenia (Zhang et al. 2015. PubMed ID: 25581430; Noetzli et al. 2015. PubMed ID: 25807284; Poggi et al. 2016. PubMed ID: 27663637). This variant has not been reported in a large population database (gnomad) and has been interpreted as pathogenic in the ClinVar database (Variation ID: 162222). Given the evidence, we interpret this variant as pathogenic.

Mayo Clinic Laboratories, Mayo Clinic
Classification: Pathogenic. Last evaluated: 2025-03-05. Review status: criteria provided, single submitter. Criteria: ACMG Guidelines, 2015. Collection method: clinical testing. Allele origin: germline. Observed: 1 variant allele.
Comment: PP1_strong, PP3, PM2_supporting, PS3, PS4

St. Jude Molecular Pathology, St. Jude Children's Research Hospital
Classification: Pathogenic for Thrombocytopenia 5. Last evaluated: 2025-02-05. Review status: criteria provided, single submitter. Criteria: St. Jude Assertion Criteria 2020. Collection method: clinical testing. Allele origin: germline.
Comment: The ETV6 c.641C>T (p.Pro214Leu) missense change is absent in gnomAD v2.1.1. The in silico tool REVEL predicts a deleterious effect on protein function. Functional studies have shown that this variant results in a loss of transcriptional repressor activity, as evidenced by luciferase reporter assays, and disrupts normal nuclear localization of the ETV6 protein inhibiting the wild-type ETV6-mediated repression through a dominant-negative mechanism (PMID: 25581430, 25807284). This variant has been reported in multiple individuals with thrombocytopenia, including three who developed B-ALL, and It was observed to segregate at least two families. (PMID: 25581430, 25807284, 31704777, 33768492). In summary, this variant meets criteria to be classified as pathogenic.

Labcorp Genetics (formerly Invitae), Labcorp
Classification: Pathogenic. Last evaluated: 2024-06-17. Review status: criteria provided, single submitter. Criteria: Invitae Variant Classification Sherloc (09022015). Collection method: clinical testing. Allele origin: germline.
Comment: This sequence change replaces proline, which is neutral and non-polar, with leucine, which is neutral and non-polar, at codon 214 of the ETV6 protein (p.Pro214Leu). This variant is not present in population databases (gnomAD no frequency). This missense change has been observed in individual(s) with familial thrombocytopenia with leukemia (PMID: 25581430, 25807284, 31704777, 33768492). It has also been observed to segregate with disease in related individuals. ClinVar contains an entry for this variant (Variation ID: 162222). Advanced modeling of protein sequence and biophysical properties (such as structural, functional, and spatial information, amino acid conservation, physicochemical variation, residue mobility, and thermodynamic stability) performed at Invitae indicates that this missense variant is not expected to disrupt ETV6 protein function with a negative predictive value of 80%. Experimental studies have shown that this missense change affects ETV6 function (PMID: 25581430, 25807284). For these reasons, this variant has been classified as Pathogenic.

Molecular Pathology, Peter Maccallum Cancer Centre
Classification: Pathogenic for Hereditary cancer-predisposing syndrome. Last evaluated: 2024-05-27. Review status: criteria provided, single submitter. Criteria: ACMG Guidelines, 2015. Collection method: clinical testing. Allele origin: germline.

Genetics and Molecular Pathology, SA Pathology
Classification: Likely pathogenic for Thrombocytopenia 5. Last evaluated: 2023-06-20. Review status: criteria provided, single submitter. Criteria: ACMG Guidelines, 2015. Collection method: clinical testing. Allele origin: germline. Inheritance: Autosomal dominant inheritance. Affected: yes.
Comment: The ETV6 c.641C>T variant is classified as Likely Pathogenic (PS3_Supporting, PS4_Moderate, PM2, PP1_Moderate) The ETV6 c.641C>T variant is a single nucleotide change in exon 5/8 of the ETV6 gene, which is predicted to change the amino acid proline at position 214 in the protein to leucine. Experimental studies have demonstrated that this sequence change impacts the function of the ETV6 protein (PMID: 25581430, 25807284). The p.Pro214Leu variant affects a highly conserved amino acid residue located in a linker inhibitory domain (amino acids 127–331) that indirectly promotes DNA binding (PS3_Supporting). The variant has been reported in multiple unrelated proband(s) with a clinical presentation of Thrombocytopenia. In addition, this variant has been reported in a patient subsequently developing a T cell/myloid mixed phenotype acute leukemia (MPAL) (PMID:25581430) (PS4_Moderate).This variant is absent from population databases (PM2). This variant co-segregates with disease demonstrated in PMID:27666367 which noted four generations of affected family members. (PP1_moderate). The variant has been reported in dbSNP (rs724159947) and in the HGMD database: CM150819. It has been reported as Pathogenic/Likely pathogenic by other diagnostic laboratories (ClinVar Variation ID: 162222).

Genetic Services Laboratory, University of Chicago
Classification: Pathogenic. Last evaluated: 2021-08-12. Review status: criteria provided, single submitter. Criteria: ACMG Guidelines, 2015. Collection method: clinical testing. Allele origin: germline. Affected: yes.
Comment: DNA sequence analysis of the ETV6 gene demonstrated a sequence change, c.641C>T, in exon 5 that results in an amino acid change, p.Pro214Leu. This pathogenic sequence change has previously been described in multiple individuals with ETV6-related thrombocytopenia and has been shown to segregate with disease in at least two families (PMID: 25581430, 25807284, 27663637, 31704777, 32367453). Additionally, experimental studies have demonstrated that this sequence change impacts the function of the ETV6 protein (PMID: 25581430, 25807284, 32367453). This sequence change has not been described in population databases including gnomAD (dbSNP rs724159947). The p.Pro214Leu change affects a highly conserved amino acid residue located in a domain of the ETV6 protein that is known to be functional. The p.Pro214Leu substitution appears to be deleterious using several in-silico pathogenicity prediction tools (SIFT, PolyPhen2, Align GVGD, REVEL). Collectively these evidences suggest that, the c.641C>T change is pathogenic.

Institute of Human Genetics Munich, TUM University Hospital
Classification: Pathogenic for Thrombocytopenia 5. Last evaluated: 2020-08-31. Review status: criteria provided, single submitter. Criteria: Classification criteria August 2017. Collection method: clinical testing. Allele origin: maternal. Inheritance: Autosomal dominant inheritance. Affected: yes. Observed: 1 variant allele.

Blueprint Genetics
Classification: Pathogenic for ETV6-related disorders. Last evaluated: 2020-02-11. Review status: criteria provided, single submitter. Criteria: ACMG Guidelines, 2015. Collection method: clinical testing. Allele origin: germline. Affected: yes. Observed: 2 variant alleles.

ISTH-SSC Genomics in Thrombosis and Hemostasis, KU Leuven, Center for Molecular and Vascular Biology
Classification: Likely pathogenic for Thrombocytopenia 5. Review status: criteria provided, single submitter. Criteria: ACMG Guidelines, 2015. Collection method: clinical testing. Allele origin: germline. Affected: yes. Observed: 1 heterozygote.
Comment: Submitted to the GoldVariant database by Kathleen Freson, Center for Molecular and Vascular Biology

Clinical Genetics Laboratory, University Hospital Schleswig-Holstein
Classification: Pathogenic for Thrombocytopenia 5. Last evaluated: 2021-10-14. Review status: no assertion criteria provided. Collection method: clinical testing. Allele origin: germline. Affected: yes. Not counted in ClinVar's aggregate classification.

OMIM
Classification: Pathogenic for THROMBOCYTOPENIA 5. Last evaluated: 2015-05-01. Review status: no assertion criteria provided. Collection method: literature only. Allele origin: germline. Not counted in ClinVar's aggregate classification.

Akiko Shimamura Lab, Fred Hutchinson Cancer Research Center
Classification: Likely pathogenic for thrombocytopenia; hematologic malignancy. Last evaluated: 2014-11-30. Review status: no assertion criteria provided. Collection method: research. Allele origin: germline. Affected: yes. Observed: 1 variant allele. Not counted in ClinVar's aggregate classification.

GeneReviews
No classification provided. Condition: Acute myeloid leukemia. Review status: no classification provided. Collection method: literature only. Allele origin: germline. Not counted in ClinVar's aggregate classification.

Literature cited by the submitters: PubMed 25581430 (cited by 5 submitters); PubMed 25807284 (cited by 4 submitters); PubMed 27663637 (cited by Mayo Clinic Laboratories, Mayo Clinic); PubMed 31704777 (cited by Mayo Clinic Laboratories, Mayo Clinic and Labcorp Genetics (formerly Invitae), Labcorp); PubMed 32367453 (cited by Mayo Clinic Laboratories, Mayo Clinic); PubMed 32841218 (cited by Mayo Clinic Laboratories, Mayo Clinic); PubMed 33768492 (cited by Mayo Clinic Laboratories, Mayo Clinic and Labcorp Genetics (formerly Invitae), Labcorp); PubMed 27666367 (cited by Genetics and Molecular Pathology, SA Pathology); PubMed 31248877 (cited by GeneReviews); PubMed 33226740 (cited by GeneReviews).